The following is an entry in ClinVar:

ClinVar aggregate classification (germline): Uncertain significance (1 of 4 stars; one submission).

Conditions:
Hereditary cancer-predisposing syndrome. Also called: Neoplastic Syndromes, Hereditary; Tumor predisposition; Hereditary Cancer Syndrome; Hereditary neoplastic syndrome. Identifiers: Orphanet 140162, MedGen C0027672, MeSH D009386, MONDO:0015356.

gnomAD v4.1: 1 of 1,600,828 alleles (0.000062%); highest among the groups gnomAD compares: Non-Finnish European, 0.000085%; no homozygotes.

Submission:

Ambry Genetics
Classification: Uncertain significance for Hereditary cancer-predisposing syndrome. Last evaluated: 2025-11-12. Review status: criteria provided, single submitter. Criteria: Ambry Variant Classification Scheme 2023. Collection method: clinical testing. Allele origin: germline.
Comment: The p.D147N variant (also known as c.439G>A), located in coding exon 4 of the APC gene, results from a G to A substitution at nucleotide position 439. The aspartic acid at codon 147 is replaced by asparagine, an amino acid with highly similar properties. This amino acid position is not well conserved in available vertebrate species. In addition, in silico predictors for this gene do not accurately predict pathogenicity. Based on the available evidence, the clinical significance of this variant remains unclear.

NM_000038.6(APC):c.439G>A (p.Asp147Asn)

Gene: APC (APC regulator of Wnt signaling pathway; plus strand). Cytogenetic location: 5q22.2.
Variant type: single nucleotide variant.
Coding change: c.439G>A on transcript NM_000038.6 (MANE Select); coding-DNA position 439, G replaced by A.
Protein change: p.Asp147Asn; replaces aspartic acid 147 with asparagine.
Molecular consequence: missense variant. On other transcripts: 5 prime UTR variant (4), non-coding transcript variant (2).
Genome position (GRCh38, 1-based): chr5:112,775,645, G>A. VCF-style: chr5-112775645-G-A. GRCh37 (hg19) VCF-style: chr5-112111342-G-A.
Other names: c.364G>A, p.Asp122Asn (NM_001354904.2, NM_001407451.1, NM_001354898.2); c.262G>A, p.Asp88Asn (NM_001354905.2, NM_001407453.1, NM_001354900.2 and 1 more transcripts); c.-597G>A (NM_001354906.2, NM_001407470.1, NM_001407471.1 and 1 more transcripts); c.469G>A, p.Asp157Asn (NM_001407446.1, NM_001127511.3, NM_001354897.2 and 1 more transcripts); c.439G>A, p.Asp147Asn (NM_001407447.1, NM_001407448.1, NM_001407449.1 and 16 more transcripts); short protein forms D147N, D88N, D122N, D157N.
Identifiers: ClinVar variation 4569196 (VCV004569196.1).
Genomic context (GRCh38, chr5:112,775,645, plus strand): 5'-TTAGCATTGTTTAAACGTACCTTTTTTTAAAAAAAAAAAAATAGGTCATTGCTTCTTGCT[G>A]ATCTTGACAAAGAAGAAAAGGAAAAAGACTGGTATTACGCTCAACTTCAGAATCTCACTA-3'
Protein context (NP_000029.2, residues 137-157): LEKERSLLLA[Asp147Asn]LDKEEKEKDW